The following is an entry in ClinVar:

ClinVar aggregate classification (germline): Likely pathogenic (0 of 4 stars; one submission).

Conditions:
SMARCB1-related disorder. Also called: SMARCB1-related disorders; SMARCB1-related condition.

Submission:

PreventionGenetics, part of Exact Sciences
Classification: Likely pathogenic for SMARCB1-related condition. Last evaluated: 2024-05-17. Review status: no assertion criteria provided. Collection method: clinical testing. Allele origin: germline.
Comment: The SMARCB1 c.805C>T variant is predicted to result in the amino acid substitution p.His269Tyr. To our knowledge, this variant has not been reported in the literature or in a large population database, indicating this variant is rare. Another variant affecting the same amino acid (c.806A>G; p.His269Arg) was reported de novo in an individual with Coffin-Siris Syndrome (Sekiguchi et al. 2019. PubMed ID: 31530938). This variant is interpreted as likely pathogenic.

NM_003073.5(SMARCB1):c.805C>T (p.His269Tyr)

Gene: SMARCB1 (SWI/SNF related BAF chromatin remodeling complex subunit B1; plus strand). Cytogenetic location: 22q11.23.
Variant type: single nucleotide variant.
Coding change: c.805C>T on transcript NM_003073.5 (MANE Select); coding-DNA position 805, C replaced by T.
Protein change: p.His269Tyr; replaces histidine 269 with tyrosine.
Molecular consequence: missense variant.
Genome position (GRCh38, 1-based): chr22:23,825,234, C>T. VCF-style: chr22-23825234-C-T. GRCh37 (hg19) VCF-style: chr22-24167421-C-T.
Other names: c.778C>T, p.His260Tyr (NM_001007468.3); c.832C>T, p.His278Tyr (NM_001317946.2); c.859C>T, p.His287Tyr (NM_001362877.2); short protein forms H260Y, H269Y, H278Y, H287Y.
Identifiers: ClinVar variation 3350066 (VCV003350066.1).
Genomic context (GRCh38, chr22:23,825,234, plus strand): 5'-CCTCCCTGGGCTGCAAAAGCTCTAACTTGTGTCCTTTGGTTGTTGCCTCAGCTGAACATC[C>T]ATGTGGGAAACATTTCCCTGGTGGACCAGTTTGAGTGGGACATGTCAGAGAAGGAGAACT-3'
Protein context (NP_003064.2, residues 259-279): DQRVIIKLNI[His269Tyr]VGNISLVDQF